The following is an entry in ClinVar:

ClinVar aggregate classification (germline): Likely benign. Review status: criteria provided, multiple submitters, no conflicts (2 of 4 stars). 5 submissions from 5 submitters: Likely benign (4). 1 of the submissions does not count toward it. Last evaluated 2025-12-01.

Conditions:
GEMIN4-related disorder. Also called: GEMIN4-related condition.

Allele frequency attached by ClinVar (database versions not stated): gnomAD 0.00092 and 0.00103; TOPMed 0.00096; ESP Exome Variant Server 0.00104; gnomAD exomes 0.00122 and 0.00147; 1000 Genomes Project 30x 0.00156; ExAC 0.00158; 1000 Genomes Project 0.00180.
gnomAD v4.1: 1,961 of 1,613,926 alleles (0.12%); highest among the groups gnomAD compares: South Asian, 0.59%; 10 homozygotes.

Submissions (5):

CeGaT Center for Human Genetics Tuebingen
Classification: Likely benign. Last evaluated: 2025-12-01. Review status: criteria provided, single submitter. Criteria: CeGaT Center For Human Genetics Tuebingen Variant Classification Criteria Version 2. Collection method: clinical testing. Allele origin: germline. Affected: yes. Observed: 7 variant alleles.
Comment: GEMIN4: BP4, BS2

Genomic Medicine Center of Excellence, King Faisal Specialist Hospital and Research Centre
Classification: Likely benign. Last evaluated: 2025-08-18. Review status: criteria provided, single submitter. Criteria: ACMG Guidelines, 2015. Collection method: clinical testing. Allele origin: germline.

Labcorp Genetics (formerly Invitae), Labcorp
Classification: Likely benign. Last evaluated: 2019-12-31. Review status: criteria provided, single submitter. Criteria: Invitae Variant Classification Sherloc (09022015). Collection method: clinical testing. Allele origin: germline.

Breakthrough Genomics
Classification: Likely benign. Review status: criteria provided, single submitter. Criteria: ACMG Guidelines, 2015. Collection method: not provided. Allele origin: germline. Inheritance: Autosomal recessive inheritance. Affected: yes.

PreventionGenetics, part of Exact Sciences
Classification: Likely benign for GEMIN4-related condition. Last evaluated: 2019-06-07. Review status: no assertion criteria provided. Collection method: clinical testing. Allele origin: germline. Not counted in ClinVar's aggregate classification.
Comment: This variant is classified as likely benign based on ACMG/AMP sequence variant interpretation guidelines (Richards et al. 2015 PMID: 25741868, with internal and published modifications).

NM_015721.3(GEMIN4):c.457T>A (p.Ser153Thr)

Gene: GEMIN4 (gem nuclear organelle associated protein 4; minus strand). Cytogenetic location: 17p13.3.
Variant type: single nucleotide variant.
Coding change: c.457T>A on transcript NM_015721.3 (MANE Select); coding-DNA position 457, T replaced by A.
Protein change: p.Ser153Thr; replaces serine 153 with threonine.
Molecular consequence: missense variant.
Genome position (GRCh38, 1-based): chr17:747,586, A>T on the plus strand (T>A on the coding strand, the complement: GEMIN4 is on the minus strand). VCF-style: chr17-747586-A-T. GRCh37 (hg19) VCF-style: chr17-650826-A-T.
Other names: short protein forms S153T.
Identifiers: ClinVar variation 715592 (VCV000715592.37), dbSNP rs201063045, ClinGen allele CA8262895.
Genomic context (GRCh38, chr17:747,586, plus strand): 5'-GACCCTTGTGCTTCATCACCTCCCACCAGACGTCCAGGAAGAAGGCCACGTCTTCGGCAG[A>T]AGTGTCAACGGTCACATGTTCCAGAAAGCGCTCTAGTTCTGCATGGCAGATGGTGGTGGG-3'
Protein context (NP_056536.2, residues 143-163): RFLEHVTVDT[Ser153Thr]AEDVAFFLDV